The following is an entry in ClinVar:

ClinVar aggregate classification (germline): Pathogenic (1 of 4 stars; one submission).

Conditions:
Short-rib thoracic dysplasia 6 with or without polydactyly (SRTD6). Also called: SHORT RIB-POLYDACTYLY SYNDROME, TYPE IIA; POLYDACTYLY WITH NEONATAL CHONDRODYSTROPHY, TYPE II; SHORT-RIB THORACIC DYSPLASIA 6 WITH POLYDACTYLY; SHORT-RIB THORACIC DYSPLASIA 6 WITHOUT POLYDACTYLY; Majewski Syndrome. Identifiers: MedGen C0024507, MONDO:0009894, OMIM 263520.

Allele frequency attached by ClinVar (database versions not stated): ExAC 0.00001; gnomAD exomes 0.00001.

Submission:

Labcorp Genetics (formerly Invitae), Labcorp
Classification: Pathogenic for Short-rib thoracic dysplasia 6 with or without polydactyly. Last evaluated: 2025-07-27. Review status: criteria provided, single submitter. Criteria: Invitae Variant Classification Sherloc (09022015). Collection method: clinical testing. Allele origin: germline.
Comment: This sequence change creates a premature translational stop signal (p.Ser970Valfs*5) in the NEK1 gene. It is expected to result in an absent or disrupted protein product. Loss-of-function variants in NEK1 are known to be pathogenic (PMID: 22499340, 29068549). This variant is present in population databases (rs763310804, gnomAD 0.01%). This variant has not been reported in the literature in individuals affected with NEK1-related conditions. ClinVar contains an entry for this variant (Variation ID: 1380607). For these reasons, this variant has been classified as Pathogenic.

Literature cited by the submitters: PubMed 22499340; PubMed 29068549.

NM_001199397.3(NEK1):c.2991_2992insG (p.Ser998fs)

Gene: NEK1 (NIMA related kinase 1; minus strand). Cytogenetic location: 4q33.
Variant type: Insertion.
Coding change: c.2991_2992insG on transcript NM_001199397.3 (MANE Select); coding-DNA positions 2991 to 2992, G inserted.
Protein change: p.Ser998fs; shifts the reading frame from serine 998.
Molecular consequence: frameshift variant. On other transcripts: non-coding transcript variant (1).
Genome position: GRCh38 VCF-style: chr4-169424783-A-AC. GRCh37 (hg19) VCF-style: chr4-170345934-A-AC.
Other names: c.2859_2860insG, p.Ser954fs (NM_001199398.3); c.2700_2701insG, p.Ser901fs (NM_001199399.3); c.2775_2776insG, p.Ser926fs (NM_001199400.3); c.2991_2992insG, p.Ser998fs (NM_001374418.1); c.2907_2908insG, p.Ser970fs (NM_001374419.1, NM_012224.4); c.2856_2857insG, p.Ser953fs (NM_001374420.1); c.2508_2509insG, p.Ser837fs (NM_001374421.1); short protein forms S901fs, S953fs, S998fs, S837fs, S954fs, S970fs, S926fs.
Identifiers: ClinVar variation 1380607 (VCV001380607.6), dbSNP rs763310804, ClinGen allele CA3137258.
Genomic context (GRCh38, chr4:169,424,783, plus strand): 5'-CCTTATGGAAAAATGGTTCCGGTTGCACAGACTTATCTACATCACATTTAGAGTGCTGAG[A>AC]ATCATTGGTTCCAGGCTCTGTGGTAGAAAGGAGAGATTATGTGGTAAGTCTATACAGTAC-3'